The following is an entry in ClinVar:

NM_000061.3(BTK):c.1311G>A (p.Met437Ile)

Gene: BTK (Bruton tyrosine kinase; minus strand). Cytogenetic location: Xq22.1.
Variant type: single nucleotide variant.
Coding change: c.1311G>A on transcript NM_000061.3 (MANE Select); coding-DNA position 1311, G replaced by A.
Protein change: p.Met437Ile; replaces methionine 437 with isoleucine.
Molecular consequence: missense variant. On other transcripts: intron variant (1).
Genome position (GRCh38, 1-based): chrX:101,356,822, C>T on the plus strand (G>A on the coding strand, the complement: BTK is on the minus strand). VCF-style: chrX-101356822-C-T. GRCh37 (hg19) VCF-style: chrX-100611810-C-T.
Other names: c.1413G>A, p.Met471Ile (NM_001287344.2); c.1038+1552G>A (NM_001287345.2); short protein forms M437I, M471I.
Identifiers: ClinVar variation 3619661 (VCV003619661.2).

ClinVar aggregate classification (germline): Uncertain significance (1 of 4 stars; one submission).

Conditions:
X-linked agammaglobulinemia with growth hormone deficiency (IGHD3). Also called: AGAMMAGLOBULINEMIA AND ISOLATED GROWTH HORMONE DEFICIENCY, X-LINKED; FLEISHER SYNDROME; ISOLATED GROWTH HORMONE DEFICIENCY, TYPE III, WITH AGAMMAGLOBULINEMIA; Isolated growth hormone deficiency type 3; Growth hormone deficiency with hypogammaglobulinemia; HYPOGAMMAGLOBULINEMIA AND ISOLATED GROWTH HORMONE DEFICIENCY, X-LINKED. Identifiers: Orphanet 231692, Orphanet 631, MedGen C0472813, MONDO:0010615, OMIM 307200.

Submission:

Labcorp Genetics (formerly Invitae), Labcorp
Classification: Uncertain significance for X-linked agammaglobulinemia with growth hormone deficiency. Last evaluated: 2025-01-06. Review status: criteria provided, single submitter. Criteria: Invitae Variant Classification Sherloc (09022015). Collection method: clinical testing. Allele origin: germline.
Comment: This sequence change replaces methionine, which is neutral and non-polar, with isoleucine, which is neutral and non-polar, at codon 437 of the BTK protein (p.Met437Ile). This variant is not present in population databases (gnomAD no frequency). This variant has not been reported in the literature in individuals affected with BTK-related conditions. Invitae Evidence Modeling of protein sequence and biophysical properties (such as structural, functional, and spatial information, amino acid conservation, physicochemical variation, residue mobility, and thermodynamic stability) indicates that this missense variant is expected to disrupt BTK protein function with a positive predictive value of 95%. In summary, the available evidence is currently insufficient to determine the role of this variant in disease. Therefore, it has been classified as a Variant of Uncertain Significance.